The following is an entry in ClinVar:

NM_024675.4(PALB2):c.1841T>C (p.Leu614Ser)

Gene: PALB2 (partner and localizer of BRCA2; minus strand). Cytogenetic location: 16p12.2.
Variant type: single nucleotide variant.
Coding change: c.1841T>C on transcript NM_024675.4 (MANE Select); coding-DNA position 1841, T replaced by C.
Protein change: p.Leu614Ser; replaces leucine 614 with serine.
Molecular consequence: missense variant.
Genome position (GRCh38, 1-based): chr16:23,630,313, A>G on the plus strand (T>C on the coding strand, the complement: PALB2 is on the minus strand). VCF-style: chr16-23630313-A-G. GRCh37 (hg19) VCF-style: chr16-23641634-A-G.
Other names: short protein forms L614S.
Identifiers: ClinVar variation 480933 (VCV000480933.12), dbSNP rs1555460628, ClinGen allele CA395127845.

ClinVar aggregate classification (germline): Uncertain significance. Review status: criteria provided, multiple submitters, no conflicts (2 of 4 stars). 3 submissions from 3 submitters: Uncertain significance (3). Last evaluated 2025-05-28.

Conditions:
Hereditary cancer-predisposing syndrome. Also called: Hereditary Cancer Syndrome; Neoplastic Syndromes, Hereditary; Tumor predisposition; Hereditary neoplastic syndrome. Identifiers: Orphanet 140162, MedGen C0027672, MeSH D009386, MONDO:0015356.
Familial cancer of breast. Also called: BREAST CANCER, FAMILIAL; Hereditary breast cancer; hereditary breast carcinoma. Identifiers: Orphanet 227535, MedGen C0346153, MONDO:0016419, OMIM 114480. Disease mechanism: loss of function.

Submissions (3):

Labcorp Genetics (formerly Invitae), Labcorp
Classification: Uncertain significance for Familial cancer of breast. Last evaluated: 2025-05-28. Review status: criteria provided, single submitter. Criteria: Invitae Variant Classification Sherloc (09022015). Collection method: clinical testing. Allele origin: germline.
Comment: This sequence change replaces leucine, which is neutral and non-polar, with serine, which is neutral and polar, at codon 614 of the PALB2 protein (p.Leu614Ser). This variant is not present in population databases (gnomAD no frequency). This variant has not been reported in the literature in individuals affected with PALB2-related conditions. ClinVar contains an entry for this variant (Variation ID: 480933). Invitae Evidence Modeling of protein sequence and biophysical properties (such as structural, functional, and spatial information, amino acid conservation, physicochemical variation, residue mobility, and thermodynamic stability) indicates that this missense variant is expected to disrupt PALB2 protein function with a positive predictive value of 80%. In summary, the available evidence is currently insufficient to determine the role of this variant in disease. Therefore, it has been classified as a Variant of Uncertain Significance.

Quest Diagnostics Nichols Institute San Juan Capistrano
Classification: Uncertain significance. Last evaluated: 2025-05-27. Review status: criteria provided, single submitter. Criteria: Quest Diagnostics criteria. Collection method: clinical testing. Allele origin: unknown.
Comment: The PALB2 c.1841T>C (p.Leu614Ser) variant has not been reported in individuals with PALB2-related conditions in the published literature. It also has not been reported in large, multi-ethnic general populations (Genome Aggregation Database). Analysis of this variant using bioinformatics tools for the prediction of the effect of amino acid changes on protein structure and function yielded conflicting predictions that this variant is benign or damaging. Based on the available information, we are unable to determine the clinical significance of this variant.

Ambry Genetics
Classification: Uncertain significance for Hereditary cancer-predisposing syndrome. Last evaluated: 2022-08-04. Review status: criteria provided, single submitter. Criteria: Ambry Variant Classification Scheme 2023. Collection method: clinical testing. Allele origin: germline.
Comment: The p.L614S variant (also known as c.1841T>C), located in coding exon 5 of the PALB2 gene, results from a T to C substitution at nucleotide position 1841. The leucine at codon 614 is replaced by serine, an amino acid with dissimilar properties. This amino acid position is highly conserved in available vertebrate species. In addition, the in silico prediction for this alteration is inconclusive. Since supporting evidence is limited at this time, the clinical significance of this alteration remains unclear.